The following is an entry in ClinVar:

ClinVar aggregate classification (germline): Uncertain significance (1 of 4 stars; one submission).

gnomAD v4.1: 1 of 1,613,864 alleles (0.000062%); highest among the groups gnomAD compares: South Asian, 0.0011%; no homozygotes.

Submission:

Labcorp Genetics (formerly Invitae), Labcorp
Classification: Uncertain significance. Last evaluated: 2024-08-10. Review status: criteria provided, single submitter. Criteria: Invitae Variant Classification Sherloc (09022015). Collection method: clinical testing. Allele origin: germline.
Comment: This sequence change replaces isoleucine, which is neutral and non-polar, with phenylalanine, which is neutral and non-polar, at codon 851 of the MECOM protein (p.Ile851Phe). This variant is not present in population databases (gnomAD no frequency). This variant has not been reported in the literature in individuals affected with MECOM-related conditions. An algorithm developed to predict the effect of missense changes on protein structure and function (PolyPhen-2) suggests that this variant is likely to be disruptive. In summary, the available evidence is currently insufficient to determine the role of this variant in disease. Therefore, it has been classified as a Variant of Uncertain Significance.

NM_004991.4(MECOM):c.3115A>T (p.Ile1039Phe)

Gene: MECOM (MDS1 and EVI1 complex locus; minus strand). Cytogenetic location: 3q26.2.
Variant type: single nucleotide variant.
Coding change: c.3115A>T on transcript NM_004991.4 (MANE Select); coding-DNA position 3115, A replaced by T.
Protein change: p.Ile1039Phe; replaces isoleucine 1039 with phenylalanine.
Molecular consequence: missense variant.
Genome position (GRCh38, 1-based): chr3:169,093,007, T>A on the plus strand (A>T on the coding strand, the complement: MECOM is on the minus strand). VCF-style: chr3-169093007-T-A. GRCh37 (hg19) VCF-style: chr3-168810795-T-A.
Other names: c.2746A>T, p.Ile916Phe (NM_001105077.4); c.2551A>T, p.Ile851Phe (NM_001105078.4, NM_001205194.2, NM_001366469.2 and 1 more transcripts); c.2527A>T, p.Ile843Phe (NM_001163999.2, NM_001366470.2); c.2524A>T, p.Ile842Phe (NM_001164000.2, NM_001366471.2, NM_001366472.2); c.3088A>T, p.Ile1030Phe (NM_001366466.2); c.2554A>T, p.Ile852Phe (NM_001366467.2, NM_001366468.2); c.2116A>T, p.Ile706Phe (NM_001366473.2); c.1552A>T, p.Ile518Phe (NM_001366474.2); short protein forms I852F, I843F, I851F, I916F, I1039F, I518F, I1030F, I706F.
Identifiers: ClinVar variation 3683769 (VCV003683769.2).
Genomic context (GRCh38, chr3:169,093,007, plus strand): 5'-GACAGCTTTACCTCTCCTCCACATTCCTGGGAGATTGGCTGCCATGGTTGCTGTTCCCAA[T>A]GAAATTTCGAATTTCTGTGAAGTAAGCATCTTCTTTGTCATCCAGAATCGCACCTGTACT-3'
Protein context (NP_004982.2, residues 1029-1049): DAYFTEIRNF[Ile1039Phe]GNSNHGSQSP